The following is an entry in ClinVar:

ClinVar aggregate classification (germline): Uncertain significance (1 of 4 stars; one submission).

Conditions:
SHORT syndrome. Also called: LIPODYSTROPHY, PARTIAL, WITH RIEGER ANOMALY AND SHORT STATURE; PIK3R1-Related SHORT Syndrome; SHORT STATURE, HYPEREXTENSIBILITY, HERNIA, OCULAR DEPRESSION, RIEGER ANOMALY, AND TEETHING DELAY. Identifiers: Orphanet 3163, MedGen C0878684, MONDO:0010026, OMIM 269880.
Agammaglobulinemia 7, autosomal recessive (AGM7). Also called: AGAMMAGLOBULINEMIA, AUTOSOMAL RECESSIVE, DUE TO PIK3R1 DEFECT. Identifiers: MedGen C3554689, MONDO:0014083, OMIM 615214.
Immunodeficiency 36 with lymphoproliferation. Also called: Immunodeficiency 36; ACTIVATED PI3K-DELTA SYNDROME 2; Activated PI3K Delta Syndrome Type 2 (APDS2). Identifiers: Orphanet 397596, Orphanet 693681, MedGen C4014934, MONDO:0014453, OMIM 616005.

gnomAD v4.1: 1 of 1,588,712 alleles (0.000063%); highest among the groups gnomAD compares: Non-Finnish European, 0.000086%; no homozygotes.

Submission:

Labcorp Genetics (formerly Invitae), Labcorp
Classification: Uncertain significance for SHORT syndrome; Immunodeficiency 36 with lymphoproliferation; Agammaglobulinemia 7, autosomal recessive. Last evaluated: 2023-09-19. Review status: criteria provided, single submitter. Criteria: Invitae Variant Classification Sherloc (09022015). Collection method: clinical testing. Allele origin: germline.
Comment: This sequence change replaces asparagine, which is neutral and polar, with serine, which is neutral and polar, at codon 282 of the PIK3R1 protein (p.Asn282Ser). This variant is not present in population databases (gnomAD no frequency). This variant has not been reported in the literature in individuals affected with PIK3R1-related conditions. Algorithms developed to predict the effect of missense changes on protein structure and function output the following: SIFT: "Not Available"; PolyPhen-2: "Benign"; Align-GVGD: "Not Available". The serine amino acid residue is found in multiple mammalian species, which suggests that this missense change does not adversely affect protein function. In summary, the available evidence is currently insufficient to determine the role of this variant in disease. Therefore, it has been classified as a Variant of Uncertain Significance.

NM_181523.3(PIK3R1):c.845A>G (p.Asn282Ser)

Gene: PIK3R1 (phosphoinositide-3-kinase regulatory subunit 1; plus strand). Cytogenetic location: 5q13.1.
Variant type: single nucleotide variant.
Coding change: c.845A>G on transcript NM_181523.3 (MANE Select); coding-DNA position 845, A replaced by G.
Protein change: p.Asn282Ser; replaces asparagine 282 with serine.
Molecular consequence: missense variant.
Genome position (GRCh38, 1-based): chr5:68,280,935, A>G. VCF-style: chr5-68280935-A-G. GRCh37 (hg19) VCF-style: chr5-67576763-A-G.
Other names: short protein forms N282S.
Identifiers: ClinVar variation 2930609 (VCV002930609.3), dbSNP rs771365361, ClinGen allele CA359875779.
Genomic context (GRCh38, chr5:68,280,935, plus strand): 5'-AAATGAGTTTGCTTTTAGGGAAAAGGTTTCTAATAAACTCTCTTTCTTACAGCTCTGATA[A>G]TACTGAAAACCTCATAAAAGTTATAGAAATTTTAATCTCAACTGAATGGAATGAACGACA-3'
Protein context (NP_852664.1, residues 272-292): LFRFSAASSD[Asn282Ser]TENLIKVIEI